The following is an entry in ClinVar:

NM_004369.4(COL6A3):c.3272T>A (p.Val1091Asp)

Gene: COL6A3 (collagen type VI alpha 3 chain; minus strand). Cytogenetic location: 2q37.3.
Variant type: single nucleotide variant.
Coding change: c.3272T>A on transcript NM_004369.4 (MANE Select); coding-DNA position 3272, T replaced by A.
Protein change: p.Val1091Asp; replaces valine 1091 with aspartic acid.
Molecular consequence: missense variant.
Genome position (GRCh38, 1-based): chr2:237,374,819, A>T on the plus strand (T>A on the coding strand, the complement: COL6A3 is on the minus strand). VCF-style: chr2-237374819-A-T. GRCh37 (hg19) VCF-style: chr2-238283462-A-T.
Other names: c.2051T>A, p.Val684Asp (NM_057164.5); c.2654T>A, p.Val885Asp (NM_057165.5, NM_057167.4); c.1451T>A, p.Val484Asp (NM_057166.5); short protein forms V1091D, V484D, V684D, V885D.
Identifiers: ClinVar variation 1218805 (VCV001218805.11), dbSNP rs745854120, ClinGen allele CA2189204.

ClinVar aggregate classification (germline): Uncertain significance. Review status: criteria provided, multiple submitters, no conflicts (2 of 4 stars). 5 submissions from 5 submitters: Uncertain significance (5). Last evaluated 2025-04-28.

Conditions:
Inborn genetic diseases. Identifiers: MedGen C0950123, MeSH D030342.
Primary dilated cardiomyopathy (DCM). Also called: Dilated Cardiomyopathy. Identifiers: Orphanet 217604, MedGen C0007193, MeSH D002311, MONDO:0005021, HP:0001644. Inheritance: Various modes of inheritance.
Bethlem myopathy 1A. Also called: MYOPATHY, BENIGN CONGENITAL, WITH CONTRACTURES; Bethlem Muscular Dystrophy; Bethlem myopathy 1. Identifiers: Orphanet 610, MedGen CN029274, MONDO:0024530, OMIM 158810.

Allele frequency attached by ClinVar (database versions not stated): ExAC 0.00001; gnomAD 0.00001; gnomAD exomes 0.00001 and 0.00004; TOPMed 0.00002.
gnomAD v4.1: 63 of 1,613,908 alleles (0.0039%); highest among the groups gnomAD compares: Non-Finnish European, 0.0051%; no homozygotes.

Submissions (5):

Labcorp Genetics (formerly Invitae), Labcorp
Classification: Uncertain significance for Bethlem myopathy 1A. Last evaluated: 2025-04-28. Review status: criteria provided, single submitter. Criteria: Invitae Variant Classification Sherloc (09022015). Collection method: clinical testing. Allele origin: germline.
Comment: This sequence change replaces valine, which is neutral and non-polar, with aspartic acid, which is acidic and polar, at codon 1091 of the COL6A3 protein (p.Val1091Asp). This variant is present in population databases (rs745854120, gnomAD 0.003%). This variant has not been reported in the literature in individuals affected with COL6A3-related conditions. ClinVar contains an entry for this variant (Variation ID: 1218805). Invitae Evidence Modeling of protein sequence and biophysical properties (such as structural, functional, and spatial information, amino acid conservation, physicochemical variation, residue mobility, and thermodynamic stability) indicates that this missense variant is expected to disrupt COL6A3 protein function with a positive predictive value of 80%. In summary, the available evidence is currently insufficient to determine the role of this variant in disease. Therefore, it has been classified as a Variant of Uncertain Significance.

Ambry Genetics
Classification: Uncertain significance for Inborn genetic diseases. Last evaluated: 2024-11-07. Review status: criteria provided, single submitter. Criteria: Ambry Variant Classification Scheme 2023. Collection method: clinical testing. Allele origin: germline.

Revvity Omics, Revvity
Classification: Uncertain significance. Last evaluated: 2023-03-01. Review status: criteria provided, single submitter. Criteria: ACMG Guidelines, 2015. Collection method: clinical testing. Allele origin: germline.

GeneDx
Classification: Uncertain significance. Last evaluated: 2020-12-21. Review status: criteria provided, single submitter. Criteria: GeneDx Variant Classification Process June 2021. Collection method: clinical testing. Allele origin: germline. Affected: yes.
Comment: In silico analysis, which includes protein predictors and evolutionary conservation, supports a deleterious effect; Has not been previously published as pathogenic or benign to our knowledge; Not observed at a significant frequency in large population cohorts (Lek et al., 2016)

Cambridge Genomics Laboratory, East Genomic Laboratory Hub, NHS Genomic Medicine Service
Classification: Uncertain significance for Primary dilated cardiomyopathy. Last evaluated: 2019-09-26. Review status: criteria provided, single submitter. Criteria: ACGS Best Practice Guidelines for Variant Classification in Rare Disease 2020. Collection method: clinical testing. Allele origin: germline. Affected: yes. Observed: 1 variant allele.